The following is an entry in ClinVar:

ClinVar aggregate classification (germline): Benign (3 of 4 stars; one submission).

Conditions:
Breast-ovarian cancer, familial, susceptibility to, 2 (BROVCA2). Also called: BRCA2 Hereditary Breast and Ovarian Cancer. Identifiers: Orphanet 145, MedGen C2675520, MONDO:0012933, OMIM 612555. Disease mechanism: loss of function.

Allele frequency attached by ClinVar (database versions not stated): 1000 Genomes Project 0.03714; 1000 Genomes Project 30x 0.03826; gnomAD 0.06974 and 0.07172; TOPMed 0.07418.
gnomAD v4.1: 10,775 of 152,278 alleles (7.1%); highest among the groups gnomAD compares: Middle Eastern, 16%; 521 homozygotes.

Submission:

Evidence-based Network for the Interpretation of Germline Mutant Alleles (ENIGMA)
Classification: Benign for Breast-ovarian cancer, familial 2. Last evaluated: 2015-01-12. Review status: reviewed by expert panel. Criteria: ENIGMA BRCA1/2 Classification Criteria (2015). Collection method: curation. Allele origin: germline.
Comment: Class 1 not pathogenic based on frequency >1% in an outbred sampleset. Frequency 0.09763 (European), derived from 1000 genomes (2012-04-30).

NM_000059.4(BRCA2):c.7008-1981G>A

Gene: BRCA2 (BRCA2 DNA repair associated; plus strand). Cytogenetic location: 13q13.1.
Variant type: single nucleotide variant.
Coding change: c.7008-1981G>A on transcript NM_000059.4 (MANE Select); 1981 bases into the intron before coding-DNA position 7008, G replaced by A.
Molecular consequence: intron variant.
Genome position (GRCh38, 1-based): chr13:32,352,880, G>A. VCF-style: chr13-32352880-G-A. GRCh37 (hg19) VCF-style: chr13-32927017-G-A.
Other names: IVS 13-1981G>A.
Identifiers: ClinVar variation 209747 (VCV000209747.1), dbSNP rs11571700, ClinGen allele CA276715.